The following is an entry in ClinVar:

NM_001267550.2(TTN):c.81650G>A (p.Trp27217Ter)

Genes: TTN (titin; minus strand), TTN-AS1 (TTN antisense RNA 1; plus strand). Cytogenetic location: 2q31.2.
Variant type: single nucleotide variant.
Coding change: c.81650G>A on transcript NM_001267550.2 (MANE Select); coding-DNA position 81650, G replaced by A.
Protein change: p.Trp27217Ter; replaces tryptophan 27217 with a stop codon.
Molecular consequence: nonsense.
Genome position (GRCh38, 1-based): chr2:178,564,482, C>T on the plus strand (G>A on the coding strand, the complement: TTN is on the minus strand). VCF-style: chr2-178564482-C-T. GRCh37 (hg19) VCF-style: chr2-179429209-C-T.
Other names: c.76727G>A, p.Trp25576Ter (NM_001256850.1); c.54455G>A, p.Trp18152Ter (NM_003319.4); c.73946G>A, p.Trp24649Ter (NM_133378.4); c.54830G>A, p.Trp18277Ter (NM_133432.3); c.55031G>A, p.Trp18344Ter (NM_133437.4); short protein forms W25576*, W27217*, W18152*, W18277*, W18344*, W24649*.
Identifiers: ClinVar variation 620494 (VCV000620494.11), dbSNP rs1559330805, ClinGen allele CA349579100.
Genomic context (GRCh38, chr2:178,564,482, plus strand): 5'-TCTACAAGTCCACTCACTGTAAATTCAGTTTCTAATACGTTGGTAAAGCTGGCTTTCATC[C>T]AGCGGCCATCAGGTAGATCTTTCTTTTCTACAATATAACCTGTTATTTTGCTACCACCAT-3'

ClinVar aggregate classification (germline): Likely pathogenic. Review status: criteria provided, multiple submitters, no conflicts (2 of 4 stars). 2 submissions from 2 submitters: Likely pathogenic (2). Last evaluated 2024-09-30.

Conditions:
Autosomal recessive limb-girdle muscular dystrophy type 2J (LGMDR10). Also called: Limb-girdle muscular dystrophy, type 2J; MUSCULAR DYSTROPHY, LIMB-GIRDLE, AUTOSOMAL RECESSIVE 10. Identifiers: Orphanet 140922, MedGen C1837342, MONDO:0012127, OMIM 608807.
Dilated cardiomyopathy 1G (CMD1G). Identifiers: Orphanet 154, MedGen C1858763, MONDO:0011400, OMIM 604145.

Allele frequency attached by ClinVar (database versions not stated): gnomAD exomes below 0.00001.
gnomAD v4.1: 1 of 1,611,854 alleles (0.000062%); highest among the groups gnomAD compares: Non-Finnish European, 0.000085%; no homozygotes.

Submissions (2):

Labcorp Genetics (formerly Invitae), Labcorp
Classification: Likely pathogenic for Dilated cardiomyopathy 1G; Autosomal recessive limb-girdle muscular dystrophy type 2J. Last evaluated: 2024-09-30. Review status: criteria provided, single submitter. Criteria: Invitae Variant Classification Sherloc (09022015). Collection method: clinical testing. Allele origin: germline.
Comment: This sequence change creates a premature translational stop signal (p.Trp27217*) in the TTN gene. While this is not anticipated to result in nonsense mediated decay, it is expected to create a truncated TTN protein. This variant is not present in population databases (gnomAD no frequency). This variant has not been reported in the literature in individuals affected with TTN-related conditions. ClinVar contains an entry for this variant (Variation ID: 620494). This variant is located in the A band of TTN (PMID: 25589632). Truncating variants in this region are significantly overrepresented in patients affected with dilated cardiomyopathy (PMID: 25589632). Truncating variants in this region have also been reported in individuals affected with autosomal recessive centronuclear myopathy (PMID: 23975875). In summary, the currently available evidence indicates that the variant is pathogenic, but additional data are needed to prove that conclusively. Therefore, this variant has been classified as Likely Pathogenic.

GeneDx
Classification: Likely pathogenic. Last evaluated: 2018-12-06. Review status: criteria provided, single submitter. Criteria: GeneDx Variant Classification (06012015). Collection method: clinical testing. Allele origin: germline. Affected: yes.
Comment: The W25576X likely pathogenic variant in the TTN gene has not been published as pathogenic or benign to our knowledge. This variant is predicted to cause loss of normal protein function either due to production of an abnormal, prematurely truncated protein, or by absence of protein product due to nonsense mediated mRNA decay. Other truncating TTN variants have been reported in approximately 3% of control alleles (Herman et al., 2012). However, W25576X is located in the A-band region of titin, where the majority of truncating pathogenic variants associated with DCM have been reported (Herman et al., 2012). Furthermore, the W25576X variant has not been observed in large population cohorts (Lek et al., 2016). In summary, W25576X in the TTN gene is interpreted as a likely pathogenic variant.

Literature cited by the submitters: PubMed 25589632 (cited by Labcorp Genetics (formerly Invitae), Labcorp); PubMed 23975875 (cited by Labcorp Genetics (formerly Invitae), Labcorp).